The following is an entry in ClinVar:

NM_000038.6(APC):c.645+5134C>A

Gene: APC (APC regulator of WNT signaling pathway; plus strand). Cytogenetic location: 5q22.2.
Variant type: single nucleotide variant.
Coding change: c.645+5134C>A on transcript NM_000038.6 (MANE Select); 5134 bases into the intron after coding-DNA position 645, C replaced by A.
Molecular consequence: intron variant.
Genome position (GRCh38, 1-based): chr5:112,786,037, C>A. VCF-style: chr5-112786037-C-A. GRCh37 (hg19) VCF-style: chr5-112121734-C-A.
Other names: c.645+5134C>A (NM_001354895.2, NM_001127510.3, NM_001354896.2 and 2 more transcripts); c.675+5134C>A (NM_001354897.2, NM_001354902.2, NM_001127511.3); c.570+5134C>A (NM_001354898.2, NM_001354904.2); c.-391+5134C>A (NM_001354906.2); c.468+5134C>A (NM_001354900.2, NM_001354901.2, NM_001354905.2).
Identifiers: ClinVar variation 82456 (VCV000082456.2), dbSNP rs74873706, ClinGen allele CA011556.

ClinVar aggregate classification (germline): other (0 of 4 stars; one submission).

Conditions:
Familial colorectal cancer. Identifiers: MedGen CN280943, MONDO:0023113. Disease mechanism: loss of function.

Submission:

Systems Biology Platform Zhejiang California International NanoSystems Institute
Classification: other for Familial colorectal cancer. Review status: no assertion criteria provided. Collection method: not provided. Allele origin: unknown.
ClinVar note: Converted during submission from cancer to other.